The following is an entry in ClinVar:

NM_001365951.3(KIF1B):c.3092C>T (p.Thr1031Ile)

Gene: KIF1B (kinesin family member 1B; plus strand). Cytogenetic location: 1p36.22.
Variant type: single nucleotide variant.
Coding change: c.3092C>T on transcript NM_001365951.3 (MANE Select); coding-DNA position 3092, C replaced by T.
Protein change: p.Thr1031Ile; replaces threonine 1031 with isoleucine.
Molecular consequence: missense variant.
Genome position (GRCh38, 1-based): chr1:10,336,705, C>T. VCF-style: chr1-10336705-C-T. GRCh37 (hg19) VCF-style: chr1-10396763-C-T.
Other names: c.3092C>T, p.Thr1031Ile (NM_001365952.1); c.2954C>T, p.Thr985Ile (NM_015074.3); short protein forms T1031I, T985I.
Identifiers: ClinVar variation 4858873 (VCV004858873.1).

ClinVar aggregate classification (germline): Uncertain significance (1 of 4 stars; one submission).

gnomAD v4.1: 3 of 1,613,916 alleles (0.00019%); highest among the groups gnomAD compares: Non-Finnish European, 0.00025%; no homozygotes.

Submission:

Ambry Genetics
Classification: Uncertain significance. Last evaluated: 2026-05-24. Review status: criteria provided, single submitter. Criteria: Ambry Variant Classification Scheme 2023. Collection method: clinical testing. Allele origin: germline.
Comment: The p.T985I variant (also known as c.2954C>T), located in coding exon 26 of the KIF1B gene, results from a C to T substitution at nucleotide position 2954. The threonine at codon 985 is replaced by isoleucine, an amino acid with similar properties. This amino acid position is conserved. In addition, the in silico prediction for this alteration is inconclusive. Based on the available evidence, the clinical significance of this variant remains unclear.